The following is an entry in ClinVar:

NM_000274.4(OAT):c.771_771+7del

Genes: OAT (ornithine aminotransferase; minus strand), LOC121815974 (Sharpr-MPRA regulatory region 15365; plus strand). Cytogenetic location: 10q26.13.
Variant type: Deletion.
Coding change: c.771_771+7del on transcript NM_000274.4 (MANE Select); coding-DNA position 771 through 7 bases into the intron after coding-DNA position 771, 8 bases deleted (GGTTGTCA; older notation c.771_771+7delGGTTGTCA).
Molecular consequence: splice donor variant.
Genome position (GRCh38, 1-based): chr10:124,403,791-124,403,798, TGACAACC deleted on the plus strand (GGTTGTCA on the coding strand, the reverse complement: OAT is on the minus strand); deleting any 8 consecutive bases within chr10:124,403,791-124,403,800 gives the same sequence; the c. name uses the placement nearest the transcript's 3' end. VCF-style (leftmost placement, unchanged base first): chr10-124403790-GTGACAACC-G. GRCh37 (hg19) VCF-style: chr10-126092359-GTGACAACC-G.
Other names: c.771_771+7del (NM_001322965.2, NM_001322969.2, NM_001322966.2 and 3 more transcripts); c.357_357+7del (NM_001171814.2); c.171_171+7del (NM_001322974.2); c.450_450+7del (NM_001322971.2).
Identifiers: ClinVar variation 1346836 (VCV001346836.6), dbSNP rs1564731646, ClinGen allele CA596407780.

ClinVar aggregate classification (germline): Likely pathogenic (1 of 4 stars; one submission).

Conditions:
Ornithine aminotransferase deficiency (GACR). Also called: HYPERORNITHINEMIA WITH GYRATE ATROPHY OF CHOROID AND RETINA; OAT DEFICIENCY; OKT DEFICIENCY; Ornithine ketoacid aminotransferase deficiency; Gyrate atrophy; Gyrate atrophy of choroid and retina. Identifiers: Orphanet 414, MedGen C0018425, MONDO:0009796, OMIM 258870.

Submission:

Labcorp Genetics (formerly Invitae), Labcorp
Classification: Likely pathogenic for Ornithine aminotransferase deficiency. Last evaluated: 2020-10-30. Review status: criteria provided, single submitter. Criteria: Invitae Variant Classification Sherloc (09022015). Collection method: clinical testing. Allele origin: germline.
Comment: In summary, the currently available evidence indicates that the variant is pathogenic, but additional data are needed to prove that conclusively. Therefore, this variant has been classified as Likely Pathogenic. This variant has not been reported in the literature in individuals with OAT-related conditions. This variant is not present in population databases (ExAC no frequency). This sequence change affects a donor splice site in intron 6 of the OAT gene. It is expected to disrupt RNA splicing. Variants that disrupt the donor or acceptor splice site typically lead to a loss of protein function (PMID: 16199547), and loss-of-function variants in OAT are known to be pathogenic (PMID: 1737786, 23076989).

Literature cited by the submitters: PubMed 16199547; PubMed 1737786; PubMed 23076989.